The following is an entry in ClinVar:

ClinVar aggregate classification (germline): Uncertain significance (1 of 4 stars; one submission).

Conditions:
Wilms tumor 1 (WT1). Also called: Wilms tumor, somatic. Identifiers: Orphanet 654, MedGen CN033288, MONDO:0008679, OMIM 194070.

Submission:

Labcorp Genetics (formerly Invitae), Labcorp
Classification: Uncertain significance for Wilms tumor 1. Last evaluated: 2023-07-19. Review status: criteria provided, single submitter. Criteria: Invitae Variant Classification Sherloc (09022015). Collection method: clinical testing. Allele origin: germline.
Comment: This sequence change replaces methionine, which is neutral and non-polar, with valine, which is neutral and non-polar, at codon 216 of the GPC3 protein (p.Met216Val). In summary, the available evidence is currently insufficient to determine the role of this variant in disease. Therefore, it has been classified as a Variant of Uncertain Significance. Advanced modeling of protein sequence and biophysical properties (such as structural, functional, and spatial information, amino acid conservation, physicochemical variation, residue mobility, and thermodynamic stability) performed at Invitae indicates that this missense variant is not expected to disrupt GPC3 protein function. ClinVar contains an entry for this variant (Variation ID: 543087). This variant has not been reported in the literature in individuals affected with GPC3-related conditions. This variant is not present in population databases (gnomAD no frequency).

NM_004484.4(GPC3):c.646A>G (p.Met216Val)

Gene: GPC3 (glypican 3; minus strand). Cytogenetic location: Xq26.2.
Variant type: single nucleotide variant.
Coding change: c.646A>G on transcript NM_004484.4 (MANE Select); coding-DNA position 646, A replaced by G.
Protein change: p.Met216Val; replaces methionine 216 with valine.
Molecular consequence: missense variant.
Genome position (GRCh38, 1-based): chrX:133,753,868, T>C on the plus strand (A>G on the coding strand, the complement: GPC3 is on the minus strand). VCF-style: chrX-133753868-T-C. GRCh37 (hg19) VCF-style: chrX-132887895-T-C.
Other names: c.646A>G, p.Met216Val (NM_001164617.2); c.598A>G, p.Met200Val (NM_001164618.2); c.484A>G, p.Met162Val (NM_001164619.2); short protein forms M216V, M162V, M200V.
Identifiers: ClinVar variation 543087 (VCV000543087.9), dbSNP rs1556297755, ClinGen allele CA414706168.